The following is an entry in ClinVar:

NM_004360.5(CDH1):c.129_163+9dup

Gene: CDH1 (cadherin 1; plus strand). Cytogenetic location: 16q22.1.
Variant type: Duplication.
Coding change: c.129_163+9dup on transcript NM_004360.5 (MANE Select); coding-DNA position 129 through 9 bases into the intron after coding-DNA position 163, 44 bases duplicated.
Molecular consequence: splice donor variant.
Genome position (GRCh38, 1-based): chr16:68,738,377-68,738,420, 44 bases duplicated; duplicating any 44 consecutive bases within chr16:68,738,375-68,738,420 gives the same sequence; the c. name uses the placement nearest the transcript's 3' end. GRCh37 (hg19): chr16:68,772,280-68,772,323.
Other names: c.-1487_-1453+9dup (NM_001317185.2); c.-1691_-1657+9dup (NM_001317186.2); c.129_163+9dup (NM_001317184.2).
Identifiers: ClinVar variation 2503017 (VCV002503017.1), dbSNP rs2543817082, ClinGen allele CA2580612834.

ClinVar aggregate classification (germline): Uncertain significance (1 of 4 stars; one submission).

Conditions:
Hereditary diffuse gastric adenocarcinoma (HDGC). Also called: DIFFUSE GASTRIC AND LOBULAR BREAST CANCER SYNDROME. Identifiers: Orphanet 26106, MedGen C1708349, MONDO:0007648, OMIM 137215.

Submission:

European Reference Network on Genetic Tumour Risk Syndromes (ERN-GENTURIS), i3s - Instituto de Investigação e Inovação em Saúde, University of Porto
Classification: Uncertain significance for Hereditary diffuse gastric adenocarcinoma. Last evaluated: 2022-08-01. Review status: criteria provided, single submitter. Criteria: Lee et al. (Hum Mutat. 2018). Collection method: clinical testing. Allele origin: germline. Inheritance: Autosomal dominant inheritance. Affected: yes. Study: ERN GENTURIS.
Comment: PS4_Supporting; PM2 (PMID: 30311375)

Literature cited by the submitters: PubMed 36436516.